The following is an entry in ClinVar:

ClinVar aggregate classification (germline): Uncertain significance (1 of 4 stars; one submission).

Submission:

GeneDx
Classification: Uncertain significance. Last evaluated: 2023-11-14. Review status: criteria provided, single submitter. Criteria: GeneDx Variant Classification Process June 2021. Collection method: clinical testing. Allele origin: germline. Affected: yes.
Comment: Not observed at significant frequency in large population cohorts (gnomAD); In silico analysis supports that this missense variant does not alter protein structure/function; Has not been previously published as pathogenic or benign to our knowledge

NM_001080508.3(TBX18):c.1774C>G (p.Leu592Val)

Gene: TBX18 (T-box transcription factor 18; minus strand). Cytogenetic location: 6q14.3.
Variant type: single nucleotide variant.
Coding change: c.1774C>G on transcript NM_001080508.3 (MANE Select); coding-DNA position 1774, C replaced by G.
Protein change: p.Leu592Val; replaces leucine 592 with valine.
Molecular consequence: missense variant.
Genome position (GRCh38, 1-based): chr6:84,736,735, G>C on the plus strand (C>G on the coding strand, the complement: TBX18 is on the minus strand). VCF-style: chr6-84736735-G-C. GRCh37 (hg19) VCF-style: chr6-85446453-G-C.
Other names: short protein forms L592V.
Identifiers: ClinVar variation 3364295 (VCV003364295.1).